The following is an entry in ClinVar:

ClinVar aggregate classification (germline): Uncertain significance (1 of 4 stars; one submission).

Conditions:
Leigh syndrome (NULS). Also called: Leigh's syndrome; Leigh Disease; Subacute necrotizing encephalopathy; Necrotizing encephalopathy infantile subacute of Leigh; Leigh's necrotizing encephalopathy; Leigh's disease. Identifiers: Orphanet 506, MedGen C2931891, MONDO:0009723, OMIM 256000.

Allele frequency attached by ClinVar (database versions not stated): gnomAD exomes below 0.00001.
gnomAD v4.1: 1 of 1,613,946 alleles (0.000062%); highest among the groups gnomAD compares: Non-Finnish European, 0.000085%; no homozygotes.

Submission:

Institute for Genomic Medicine, Nationwide Children's Hospital
Classification: Uncertain significance for Leigh syndrome. Last evaluated: 2023-10-03. Review status: criteria provided, single submitter. Criteria: ACMG Guidelines, 2015. Collection method: research. Allele origin: maternal. Inheritance: Autosomal recessive inheritance. Affected: yes. Observed: 1 compound heterozygote.
Comment: The c.1037A>T variant is predicted to cause a missense change (p.Glu346Val) in the peptidase family M50 domain of the HTRA2 protein. This variant has not been observed in public allele frequency databases (gnomAD, TopMed), nor has it been reported to ClinVar. In silico predictors of pathogenicity do not agree on the impact of this variant (9 of 18 tools predict it to be damaging). Few HTRA2 patients and disease-causing variants have been reported at this time. We interpret this variant as a Variant of Uncertain Significance (VUS).

NM_013247.5(HTRA2):c.1037A>T (p.Glu346Val)

Gene: HTRA2 (HtrA serine peptidase 2; plus strand). Cytogenetic location: 2p13.1.
Variant type: single nucleotide variant.
Coding change: c.1037A>T on transcript NM_013247.5 (MANE Select); coding-DNA position 1037, A replaced by T.
Protein change: p.Glu346Val; replaces glutamic acid 346 with valine.
Molecular consequence: missense variant. On other transcripts: non-coding transcript variant (4).
Genome position (GRCh38, 1-based): chr2:74,531,694, A>T. VCF-style: chr2-74531694-A-T. GRCh37 (hg19) VCF-style: chr2-74758821-A-T.
Other names: c.1067A>T, p.Glu356Val (NM_001321727.1); c.1037A>T, p.Glu346Val (NM_001321728.1); c.842A>T, p.Glu281Val (NM_145074.2); short protein forms E281V, E346V, E356V.
Identifiers: ClinVar variation 2581717 (VCV002581717.2), dbSNP rs2529893969, ClinGen allele CA347381398.